The following is an entry in ClinVar:

ClinVar aggregate classification (germline): Likely benign (1 of 4 stars; one submission).

Conditions:
Wilms tumor 1 (WT1). Also called: Wilms tumor, somatic. Identifiers: Orphanet 654, MedGen CN033288, MONDO:0008679, OMIM 194070.

Submission:

All of Us Research Program, National Institutes of Health
Classification: Likely benign for Wilms tumor 1. Last evaluated: 2023-12-13. Review status: criteria provided, single submitter. Criteria: ACMG Guidelines, 2015. Collection method: clinical testing. Allele origin: germline. Inheritance: Autosomal dominant inheritance. Observed: 1 variant allele, 1 heterozygote.
Comment: This study involves interpretation of variants in research participants for the purpose of population health screening. Participant phenotype was not available at the time of variant classification. Additional details can be found in publication PMID: 35346344, PMCID: PMC8962531

NM_024426.6(WT1):c.1419C>G (p.Thr473=)

Gene: WT1 (WT1 transcription factor; minus strand). Cytogenetic location: 11p13.
Variant type: single nucleotide variant.
Coding change: c.1419C>G on transcript NM_024426.6 (MANE Select); coding-DNA position 1419, C replaced by G.
Protein change: p.Thr473=; no amino-acid change (threonine 473 retained).
Molecular consequence: synonymous variant. On other transcripts: non-coding transcript variant (2), intron variant (2).
Genome position (GRCh38, 1-based): chr11:32,392,000, G>C on the plus strand (C>G on the coding strand, the complement: WT1 is on the minus strand). VCF-style: chr11-32392000-G-C. GRCh37 (hg19) VCF-style: chr11-32413546-G-C.
Other names: c.1368C>G, p.Thr456= (NM_000378.6, NM_001407045.1); c.768C>G, p.Thr256= (NM_001198551.2); c.717C>G, p.Thr239= (NM_001198552.2); c.231C>G, p.Thr77= (NM_001367854.1); c.1413C>G, p.Thr471= (NM_001407044.1); c.1296C>G, p.Thr432= (NM_001407047.1); c.1278C>G, p.Thr426= (NM_001407048.1); c.1245C>G, p.Thr415= (NM_001407050.1); and 7 more.
Identifiers: ClinVar variation 3074944 (VCV003074944.1), dbSNP rs769371345, ClinGen allele CA473565311.